The following is an entry in ClinVar:

NM_181836.6(TMED7):c.155A>T (p.Asp52Val)

Genes: TMED7 (transmembrane p24 trafficking protein 7; minus strand), TMED7-TICAM2 (TMED7-TICAM2 readthrough; minus strand). Cytogenetic location: 5q22.3.
Variant type: single nucleotide variant.
Coding change: c.155A>T on transcript NM_181836.6 (MANE Select); coding-DNA position 155, A replaced by T.
Protein change: p.Asp52Val; replaces aspartic acid 52 with valine.
Molecular consequence: missense variant.
Genome position (GRCh38, 1-based): chr5:115,625,638, T>A on the plus strand (A>T on the coding strand, the complement: TMED7 is on the minus strand). VCF-style: chr5-115625638-T-A. GRCh37 (hg19) VCF-style: chr5-114961335-T-A.
Other names: c.155A>T, p.Asp52Val (NM_001164468.4, NM_001164469.4); short protein forms D52V.
Identifiers: ClinVar variation 1931849 (VCV001931849.5), dbSNP rs759745882, ClinGen allele CA3375233.

ClinVar aggregate classification (germline): Uncertain significance (1 of 4 stars; one submission).

gnomAD v4.1: 2 of 1,600,178 alleles (0.00012%); highest among the groups gnomAD compares: East Asian, 0.0046%; no homozygotes.

Submission:

Labcorp Genetics (formerly Invitae), Labcorp
Classification: Uncertain significance. Last evaluated: 2024-10-08. Review status: criteria provided, single submitter. Criteria: Invitae Variant Classification Sherloc (09022015). Collection method: clinical testing. Allele origin: germline.
Comment: This sequence change replaces aspartic acid, which is acidic and polar, with valine, which is neutral and non-polar, at codon 52 of the TMED7 protein (p.Asp52Val). The frequency data for this variant in the population databases is considered unreliable, as metrics indicate poor data quality at this position in the gnomAD database. This variant has not been reported in the literature in individuals affected with TMED7-related conditions. ClinVar contains an entry for this variant (Variation ID: 1931849). An algorithm developed to predict the effect of missense changes on protein structure and function (PolyPhen-2) suggests that this variant is likely to be disruptive. In summary, the available evidence is currently insufficient to determine the role of this variant in disease. Therefore, it has been classified as a Variant of Uncertain Significance.